The following is an entry in ClinVar:

NM_000152.5(GAA):c.1190C>T (p.Pro397Leu)

Gene: GAA (alpha glucosidase; plus strand). Cytogenetic location: 17q25.3.
Variant type: single nucleotide variant.
Coding change: c.1190C>T on transcript NM_000152.5 (MANE Select); coding-DNA position 1190, C replaced by T.
Protein change: p.Pro397Leu; replaces proline 397 with leucine.
Molecular consequence: missense variant.
Genome position (GRCh38, 1-based): chr17:80,108,603, C>T. VCF-style: chr17-80108603-C-T. GRCh37 (hg19) VCF-style: chr17-78082402-C-T.
Other names: NM_000152.5(GAA):c.1190C>T; c.1190C>T (LRG_673t1, NM_000152.4); c.1190C>T, p.Pro397Leu (NM_001079803.3, NM_001079804.3); short protein forms P397L.
Identifiers: ClinVar variation 456370 (VCV000456370.26), dbSNP rs776008078, ClinGen allele CA8815197.

ClinVar aggregate classification (germline): Uncertain significance. Review status: reviewed by expert panel (3 of 4 stars). 10 submissions from 10 submitters: Uncertain significance (1). 9 of the submissions do not count toward it. Last evaluated 2025-05-06.

Conditions:
Glycogen storage disease, type II (IOPD). Also called: Pompe Disease; GLYCOGENOSIS, GENERALIZED, CARDIAC FORM; GSD II; POMPE DISEASE, INFANTILE-ONSET; GLYCOGEN STORAGE DISEASE II, INFANTILE-ONSET; ACID ALPHA-GLUCOSIDASE DEFICIENCY, INFANTILE-ONSET. Identifiers: Orphanet 365, MedGen C0017921, MONDO:0009290, OMIM 232300.

gnomAD v4.1: 23 of 1,612,818 alleles (0.0014%); highest among the groups gnomAD compares: Non-Finnish European, 0.0019%; no homozygotes.

Submissions (10):

ClinGen Lysosomal Storage Disorder Variant Curation Expert Panel
Classification: Uncertain significance for Glycogen storage disease, type II. Last evaluated: 2025-05-06. Review status: reviewed by expert panel. Criteria: clingen_lsd_acmg_specifications_v2-1. Collection method: curation. Allele origin: germline. Inheritance: Autosomal recessive inheritance.
Comment: The NM_000152.5:c.1190C>T variant in GAA is a missense variant predicted to cause substitution of proline by leucine at amino acid 397 (p.Pro397Leu). One patient with a diagnosis of Pompe disease has been reported with this variant, but GAA activity and clinical details were not available (PMID: 30155607). This patient is compound heterozygous, phase unknown, for the variant and a variant in GAA that has been classified as likely pathogenic by the ClinGen Lysosomal Diseases VCEP, c.1781G>A (p.Arg594His) (PMID: 30155607). The variant was also found in heterozygosity in individuals identified by newborn screening who also carried pseudodeficiency variants (PMID: 31076647, 34922579). Although this variant has been reported multiple times, there is currently insufficient evidence to apply either PM3 or PP4. The highest population minor allele frequency in gnomAD v4.1.0. is 0.00001865 (22/1111896 alleles) in the European (Non-Finnish) population, which is lower than the ClinGen Lysosomal Diseases VCEP’s threshold for PM2_Supporting (<0.001), meeting this criterion (PM2_Supporting). Expression of the variant in COS cells resulted in 0% wild type GAA activity and evidence of abnormal GAA synthesis and processing, leading the variant to be described as Class B (“potentially less severe”), indicating that this variant may impact protein function (PMID: 22644586) (PS3_Moderate). The computational predictor REVEL gives a score of 0.918 which is above the threshold of 0.7, evidence that correlates with impact to GAA function (PP3). There is a ClinVar entry for this variant (Variation ID: 456370). In summary, this variant currently meets the criteria to be classified as a variant of uncertain significance for Pompe disease. GAA-specific ACMG/AMP criteria met, based on criteria specified by the ClinGen Lysosomal Diseases VCEP (Specifications Version 2.0): PS3_Moderate, PM2_Supporting, PP3. (Classification approved by the ClinGen Lysosomal Diseases Variant Curation Expert Panel on May 6, 2025)

Genomenon, Inc
Classification: Uncertain significance for Glycogen storage disease, type II. Last evaluated: 2026-07-01. Review status: criteria provided, single submitter. Criteria: Genomenon Sequence Variant Interpretation Standards - Updated. Collection method: curation. Allele origin: germline. Affected: yes. Not counted in ClinVar's aggregate classification.
Comment: GAA p.Pro397Leu (c.1190C>T) is a missense variant that changes the amino acid at codon 397 from Proline to Leucine. This variant has been observed in at least one proband with a GAA-related disorder (PMID:31342611). At least one functional study has demonstrated a substantial alteration in protein function relative to the wild-type (PMID:22644586). It is absent or not present at a significant frequency in gnomAD. In silico models predict that this variant is possibly or probably damaging. In conclusion, we classify GAA p.Pro397Leu (c.1190C>T) as a variant of uncertain significance.

Myriad Genetics, Inc.
Classification: Likely pathogenic for Glycogen storage disease, type II. Last evaluated: 2026-03-31. Review status: criteria provided, single submitter. Criteria: Myriad Autosomal Dominant, Autosomal Recessive and X-Linked Classification Criteria (2023). Collection method: clinical testing. Allele origin: unknown. Not counted in ClinVar's aggregate classification.
Comment: NM_000152.3(GAA):c.1190C>T(P397L) is a missense variant classified as likely pathogenic in the context of Pompe disease. P397L has been observed in cases with relevant disease (PMID: 30155607, 34822769, Malvagia_2026_(Article)). Relevant functional assessments of this variant are available in the literature (PMID: 22644586). P397L has been observed in referenced population frequency databases. In summary, NM_000152.3(GAA):c.1190C>T(P397L) is a missense variant that has functional support for pathogenicity and has been observed more frequently in cases with the relevant disease than in healthy populations. Please note: this variant was assessed in the context of healthy population screening.

Labcorp Genetics (formerly Invitae), Labcorp
Classification: Likely pathogenic for Glycogen storage disease, type II. Last evaluated: 2026-01-15. Review status: criteria provided, single submitter. Criteria: Invitae Variant Classification Sherloc (09022015). Collection method: clinical testing. Allele origin: germline. Not counted in ClinVar's aggregate classification.
Comment: This sequence change replaces proline, which is neutral and non-polar, with leucine, which is neutral and non-polar, at codon 397 of the GAA protein (p.Pro397Leu). This variant is present in population databases (rs776008078, gnomAD 0.005%). This missense change has been observed in individuals with clinical features of GAA-related conditions (PMID: 30155607, 31076647). ClinVar contains an entry for this variant (Variation ID: 456370). Invitae Evidence Modeling of protein sequence and biophysical properties (such as structural, functional, and spatial information, amino acid conservation, physicochemical variation, residue mobility, and thermodynamic stability) indicates that this missense variant is expected to disrupt GAA protein function with a positive predictive value of 95%. Experimental studies have shown that this missense change affects GAA function (PMID: 22644586). In summary, the currently available evidence indicates that the variant is pathogenic, but additional data are needed to prove that conclusively. Therefore, this variant has been classified as Likely Pathogenic.

Natera, Inc.
Classification: Likely pathogenic for Glycogen storage disease type II. Last evaluated: 2025-03-21. Review status: criteria provided, single submitter. Criteria: Natera Variant Classification Schema (03/2026). Collection method: clinical testing. Allele origin: germline. Not counted in ClinVar's aggregate classification.
Comment: The c.1190C>T variant in GAA is a missense variant predicted to cause substitution of proline to leucine at amino acid 397. This variant is rare in the general population with a frequency below the threshold expected for the associated phenotype(s). This variant has been observed in one or more individuals affected with the associated recessive disease, as either homozygous or compound heterozygous with a second variant (PMID: 30155607, 31076647). Functional studies show that this variant may disrupt protein function (PMID: 22644586). Computational prediction algorithms indicate this variant is likely to affect gene or protein function. Given the available evidence, this variant is classified as Likely Pathogenic.

Fulgent Genetics
Classification: Likely pathogenic for Glycogen storage disease, type II. Last evaluated: 2024-01-22. Review status: criteria provided, single submitter. Criteria: ACMG Guidelines, 2015. Collection method: clinical testing. Allele origin: germline. Not counted in ClinVar's aggregate classification.

Revvity Omics, Revvity
Classification: Likely pathogenic. Last evaluated: 2023-12-04. Review status: criteria provided, single submitter. Criteria: ACMG Guidelines, 2015. Collection method: clinical testing. Allele origin: germline. Not counted in ClinVar's aggregate classification.

Women's Health and Genetics/Laboratory Corporation of America, LabCorp
Classification: Likely pathogenic for Glycogen storage disease, type II. Last evaluated: 2022-12-15. Review status: criteria provided, single submitter. Criteria: LabCorp Variant Classification Summary - May 2015. Collection method: clinical testing. Allele origin: germline. Not counted in ClinVar's aggregate classification.
Comment: Variant summary: GAA c.1190C>T (p.Pro397Leu) results in a non-conservative amino acid change in the encoded protein sequence. Five of five in-silico tools predict a damaging effect of the variant on protein function. The variant allele was found at a frequency of 2.4e-05 in 248010 control chromosomes (gnomAD). c.1190C>T has been reported in the literature in at least two individuals with features of Glycogen Storage Disease, Type 2 (Pompe Disease): one compound heterozygous individual with a clinical diagnosis and one individual with reduced enzyme activity who harbored a complex pseudodeficiency allele (e.g. Semplicini_2018, Momosaki_2019). These data indicate that the variant may be associated with disease. At least one publication reports experimental evidence evaluating an impact on protein function (Kroos_2012). The variant was associated with a normal amount of the precursor form of the protein in cell homogenates, but levels of the intermediate and mature forms of the protein were undetectable and the variant resulted in little to no enzymatic activity compared to the WT protein in vitro. Six submitters have provided clinical-significance assessments for this variant to ClinVar after 2014 and classified the variant as either likely pathogenic (n=4) or VUS (n=2). Based on the evidence outlined above, the variant was classified as likely pathogenic.

AiLife Diagnostics
Classification: Likely pathogenic. Last evaluated: 2022-01-27. Review status: criteria provided, single submitter. Criteria: ACMG Guidelines, 2015. Collection method: clinical testing. Allele origin: germline. Affected: yes. Observed: 1 variant allele. Not counted in ClinVar's aggregate classification.

Broad Center for Mendelian Genomics, Broad Institute of MIT and Harvard
Classification: Likely pathogenic for Glycogen storage disease, type II. Last evaluated: 2020-01-22. Review status: criteria provided, single submitter. Criteria: ACMG Guidelines, 2015. Collection method: curation. Allele origin: germline. Inheritance: Autosomal recessive inheritance. Not counted in ClinVar's aggregate classification.
Comment: The p.Pro397Leu variant in GAA has not been previously reported in individuals with Glycogen Storage Disease II in the literature but has been reported as a VUS by Invitae in ClinVar (Variation ID: 456370). This variant has been identified in 0.005% (6/111710) of European (non-Finnish) chromosomes by the Genome Aggregation Database (gnomAD; dbSNP rs776008078). Although this variant has been seen in the general population, its frequency is low enough to be consistent with a recessive carrier frequency. In vitro functional studies provide some evidence that the p.Pro397Leu variant may eliminate proteolytically activated protein from cells and impact GAA activity (PMID: 22644586). However, these types of assays may not accurately represent biological function. Computational prediction tools and conservation analyses suggest that this variant may impact the protein, though this information is not predictive enough to determine pathogenicity. In summary, although additional studies are required to fully establish its clinical significance, this variant is likely pathogenic. ACMG/AMP Criteria applied: PS3, PM2, PP3 (Richards 2015).

Literature cited by the submitters: PubMed 31342611 (cited by Genomenon, Inc); PubMed 22644586 (cited by 7 submitters); PubMed 30155607 (cited by 3 submitters); PubMed 31076647 (cited by 3 submitters).